The following is an entry in ClinVar:

ClinVar aggregate classification (germline): Uncertain significance (1 of 4 stars; one submission).

Conditions:
Hereditary diffuse gastric adenocarcinoma (HDGC). Also called: DIFFUSE GASTRIC AND LOBULAR BREAST CANCER SYNDROME. Identifiers: Orphanet 26106, MedGen C1708349, MONDO:0007648, OMIM 137215.

Submission:

European Reference Network on Genetic Tumour Risk Syndromes (ERN-GENTURIS), i3s - Instituto de Investigação e Inovação em Saúde, University of Porto
Classification: Uncertain significance for Hereditary diffuse gastric adenocarcinoma. Last evaluated: 2022-08-01. Review status: criteria provided, single submitter. Criteria: Lee et al. (Hum Mutat. 2018). Collection method: clinical testing. Allele origin: germline. Inheritance: Autosomal dominant inheritance. Affected: no. Study: ERN GENTURIS.
Comment: PM2 (PMID: 30311375)

Literature cited by the submitters: PubMed 36436516.

NM_004360.5(CDH1):c.163+14G>A

Gene: CDH1 (cadherin 1; plus strand). Cytogenetic location: 16q22.1.
Variant type: single nucleotide variant.
Coding change: c.163+14G>A on transcript NM_004360.5 (MANE Select); 14 bases into the intron after coding-DNA position 163, G replaced by A.
Molecular consequence: intron variant.
Genome position (GRCh38, 1-based): chr16:68,738,425, G>A. VCF-style: chr16-68738425-G-A. GRCh37 (hg19) VCF-style: chr16-68772328-G-A.
Other names: c.-1453+14G>A (NM_001317185.2); c.-1657+14G>A (NM_001317186.2); c.163+14G>A (NM_001317184.2).
Identifiers: ClinVar variation 2503018 (VCV002503018.1), dbSNP rs1057521411, ClinGen allele CA2580612840.
Genomic context (GRCh38, chr16:68,738,425, plus strand): 5'-CACGGTGCCCCGGCGCCACCTGGAGAGAGGCCGCGTCCTGGGCAGAGGTGAGGGCGCGCT[G>A]CCGGTGTCCCTGGGCGGAGTAGGGAGGGGTTGGAAAGGGGCCGAGAAATTGCACTCCCAC-3'